The following is an entry in ClinVar:

ClinVar aggregate classification (germline): Uncertain significance (1 of 4 stars; one submission).

Conditions:
Hereditary cancer-predisposing syndrome. Also called: Neoplastic Syndromes, Hereditary; Tumor predisposition; Hereditary Cancer Syndrome; Hereditary neoplastic syndrome. Identifiers: Orphanet 140162, MedGen C0027672, MeSH D009386, MONDO:0015356.

Submission:

Ambry Genetics
Classification: Uncertain significance for Hereditary cancer-predisposing syndrome. Last evaluated: 2020-10-22. Review status: criteria provided, single submitter. Criteria: Ambry Variant Classification Scheme 2023. Collection method: clinical testing. Allele origin: germline.
Comment: The p.D394G variant (also known as c.1181A>G), located in coding exon 10 of the MRE11A gene, results from an A to G substitution at nucleotide position 1181. The aspartic acid at codon 394 is replaced by glycine, an amino acid with similar properties. This amino acid position is highly conserved in available vertebrate species. In addition, this alteration is predicted to be deleterious by in silico analysis. Since supporting evidence is limited at this time, the clinical significance of this alteration remains unclear.

NM_005591.4(MRE11):c.1181A>G (p.Asp394Gly)

Gene: MRE11 (MRE11 double strand break repair nuclease; minus strand). Cytogenetic location: 11q21.
Variant type: single nucleotide variant.
Coding change: c.1181A>G on transcript NM_005591.4 (MANE Select); coding-DNA position 1181, A replaced by G.
Protein change: p.Asp394Gly; replaces aspartic acid 394 with glycine.
Molecular consequence: missense variant.
Genome position (GRCh38, 1-based): chr11:94,464,157, T>C on the plus strand (A>G on the coding strand, the complement: MRE11 is on the minus strand). VCF-style: chr11-94464157-T-C. GRCh37 (hg19) VCF-style: chr11-94197323-T-C.
Other names: c.1181A>G, p.Asp394Gly (NM_001330347.2, NM_005590.4); short protein forms D394G.
Identifiers: ClinVar variation 1800058 (VCV001800058.2), dbSNP rs2496426415, ClinGen allele CA382372798.